The following is an entry in ClinVar:

NM_004839.4(HOMER2):c.1020C>T (p.Gly340=)

Gene: HOMER2 (homer scaffold protein 2; minus strand). Cytogenetic location: 15q25.2.
Variant type: single nucleotide variant.
Coding change: c.1020C>T on transcript NM_004839.4 (MANE Select); coding-DNA position 1020, C replaced by T.
Protein change: p.Gly340=; no amino-acid change (glycine 340 retained).
Molecular consequence: synonymous variant.
Genome position (GRCh38, 1-based): chr15:82,849,727, G>A on the plus strand (C>T on the coding strand, the complement: HOMER2 is on the minus strand). VCF-style: chr15-82849727-G-A. GRCh37 (hg19) VCF-style: chr15-83518479-G-A.
Other names: c.1053C>T, p.Gly351= (NM_199330.3).
Identifiers: ClinVar variation 3608335 (VCV003608335.2).

ClinVar aggregate classification (germline): Uncertain significance (1 of 4 stars; one submission).

gnomAD v4.1: 56 of 1,613,070 alleles (0.0035%); highest among the groups gnomAD compares: Middle Eastern, 0.18%; no homozygotes.

Submission:

Labcorp Genetics (formerly Invitae), Labcorp
Classification: Uncertain significance. Last evaluated: 2024-05-28. Review status: criteria provided, single submitter. Criteria: Invitae Variant Classification Sherloc (09022015). Collection method: clinical testing. Allele origin: germline.
Comment: This sequence change affects codon 340 of the HOMER2 mRNA. It is a 'silent' change, meaning that it does not change the encoded amino acid sequence of the HOMER2 protein. This variant is present in population databases (rs773984737, gnomAD 0.007%). This variant has not been reported in the literature in individuals affected with HOMER2-related conditions. Algorithms developed to predict the effect of sequence changes on RNA splicing suggest that this variant may create or strengthen a splice site. In summary, the available evidence is currently insufficient to determine the role of this variant in disease. Therefore, it has been classified as a Variant of Uncertain Significance.